The following is an entry in ClinVar:

ClinVar aggregate classification (germline): Uncertain significance. Review status: criteria provided, multiple submitters, no conflicts (2 of 4 stars). 2 submissions from 2 submitters: Uncertain significance (2). Last evaluated 2024-11-24.

Conditions:
Cardiomyopathy (CMYO). Also called: Cardiomyopathies. Identifiers: Orphanet 167848, MedGen C0878544, MONDO:0004994, HP:0001638. Inheritance: Various modes of inheritance.
Arrhythmogenic right ventricular dysplasia 10. Also called: Arrhythmogenic Right Ventricular Dysplasia/Cardiomyopathy10; Arrhythmogenic right ventricular dysplasia/cardiomyopathy, type 10; ARRHYTHMOGENIC RIGHT VENTRICULAR DYSPLASIA, FAMILIAL, 10. Identifiers: MedGen C1857777, MONDO:0012434, OMIM 610193.

Allele frequency attached by ClinVar (database versions not stated): gnomAD exomes below 0.00001; ExAC 0.00001.

Submissions (2):

Labcorp Genetics (formerly Invitae), Labcorp
Classification: Uncertain significance for Arrhythmogenic right ventricular dysplasia 10. Last evaluated: 2024-11-24. Review status: criteria provided, single submitter. Criteria: Invitae Variant Classification Sherloc (09022015). Collection method: clinical testing. Allele origin: germline.
Comment: This sequence change replaces lysine, which is basic and polar, with glutamic acid, which is acidic and polar, at codon 479 of the DSG2 protein (p.Lys479Glu). This variant is present in population databases (rs779432999, gnomAD 0.0009%). This missense change has been observed in individual(s) with arrhythmogenic cardiomyopathy (internal data). ClinVar contains an entry for this variant (Variation ID: 927422). Invitae Evidence Modeling of protein sequence and biophysical properties (such as structural, functional, and spatial information, amino acid conservation, physicochemical variation, residue mobility, and thermodynamic stability) has been performed for this missense variant. However, the output from this modeling did not meet the statistical confidence thresholds required to predict the impact of this variant on DSG2 protein function. In summary, the available evidence is currently insufficient to determine the role of this variant in disease. Therefore, it has been classified as a Variant of Uncertain Significance.

Color Diagnostics, LLC DBA Color Health
Classification: Uncertain significance for Cardiomyopathy. Last evaluated: 2023-12-04. Review status: criteria provided, single submitter. Criteria: ACMG Guidelines, 2015. Collection method: clinical testing. Allele origin: germline.
Comment: This missense variant replaces lysine with glutamic acid at codon 479 of the DSG2 protein. Computational prediction suggests that this variant may not impact protein structure and function (internally defined REVEL score threshold <= 0.5, PMID: 27666373). To our knowledge, functional studies have not been reported for this variant. This variant has not been reported in individuals affected with DSG2-related disorders in the literature. This variant has been identified in 1/249228 chromosomes in the general population by the Genome Aggregation Database (gnomAD). The available evidence is insufficient to determine the role of this variant in disease conclusively. Therefore, this variant is classified as a Variant of Uncertain Significance.

NM_001943.5(DSG2):c.1435A>G (p.Lys479Glu)

Gene: DSG2 (desmoglein 2; plus strand). Cytogenetic location: 18q12.1.
Variant type: single nucleotide variant.
Coding change: c.1435A>G on transcript NM_001943.5 (MANE Select); coding-DNA position 1435, A replaced by G.
Protein change: p.Lys479Glu; replaces lysine 479 with glutamic acid.
Molecular consequence: missense variant.
Genome position (GRCh38, 1-based): chr18:31,536,213, A>G. VCF-style: chr18-31536213-A-G. GRCh37 (hg19) VCF-style: chr18-29116176-A-G.
Other names: short protein forms K479E.
Identifiers: ClinVar variation 927422 (VCV000927422.8), dbSNP rs779432999, ClinGen allele CA042472.
Genomic context (GRCh38, chr18:31,536,213, plus strand): 5'-GTCAGCAATAGGAACAGAATGTACATACTTTTTCTCTCTTATTTTTAAGATTATCCTAGA[A>G]AAACCATCACTGGCACAGTCCTTATCAATGTTGAAGACATCAACGACAACTGTCCCACAC-3'
Protein context (NP_001934.2, residues 469-489): IVAISEDYPR[Lys479Glu]TITGTVLINV